The following is an entry in ClinVar:

NM_000256.3(MYBPC3):c.1168C>A (p.His390Asn)

Gene: MYBPC3 (myosin binding protein C3; minus strand). Cytogenetic location: 11p11.2.
Variant type: single nucleotide variant.
Coding change: c.1168C>A on transcript NM_000256.3 (MANE Select); coding-DNA position 1168, C replaced by A.
Protein change: p.His390Asn; replaces histidine 390 with asparagine.
Molecular consequence: missense variant.
Genome position (GRCh38, 1-based): chr11:47,343,547, G>T on the plus strand (C>A on the coding strand, the complement: MYBPC3 is on the minus strand). VCF-style: chr11-47343547-G-T. GRCh37 (hg19) VCF-style: chr11-47365098-G-T.
Other names: short protein forms H390N.
Identifiers: ClinVar variation 2563091 (VCV002563091.5), dbSNP rs1182072704, ClinGen allele CA380328823.

ClinVar aggregate classification (germline): Uncertain significance. Review status: criteria provided, multiple submitters, no conflicts (2 of 4 stars). 3 submissions from 3 submitters: Uncertain significance (3). Last evaluated 2024-04-16.

Conditions:
Cardiomyopathy (CMYO). Also called: Cardiomyopathies. Identifiers: Orphanet 167848, MedGen C0878544, MONDO:0004994, HP:0001638. Inheritance: Various modes of inheritance.
Cardiovascular phenotype. Identifiers: MedGen CN230736.
Hypertrophic cardiomyopathy. Also called: HYPERTROPHIC MYOCARDIOPATHY. Identifiers: Orphanet 217569, MedGen C0007194, MeSH D002312, MONDO:0005045, HP:0001639.

Allele frequency attached by ClinVar (database versions not stated): gnomAD exomes below 0.00001.
gnomAD v4.1: 2 of 1,611,426 alleles (0.00012%); highest among the groups gnomAD compares: Non-Finnish European, 0.00017%; no homozygotes.

Submissions (3):

All of Us Research Program, National Institutes of Health
Classification: Uncertain significance for Hypertrophic cardiomyopathy. Last evaluated: 2024-04-16. Review status: criteria provided, single submitter. Criteria: ACMG Guidelines, 2015. Collection method: clinical testing. Allele origin: germline. Inheritance: Autosomal dominant inheritance. Observed: 2 variant alleles, 2 heterozygotes.
Comment: This missense variant replaces histidine with asparagine at codon 390 of the MYBPC3 protein. Computational prediction suggests that this variant may not impact protein structure and function (internally defined REVEL score threshold <= 0.5, PMID: 27666373). To our knowledge, functional studies have not been reported for this variant. This variant has not been reported in individuals affected with MYBPC3-related disorders in the literature. This variant has been identified in 1/244564 chromosomes in the general population by the Genome Aggregation Database (gnomAD). The available evidence is insufficient to determine the role of this variant in disease conclusively. Therefore, this variant is classified as a Variant of Uncertain Significance.

This study involves interpretation of variants in research participants for the purpose of population health screening. Participant phenotype was not available at the time of variant classification. Additional details can be found in publication PMID: 35346344, PMCID: PMC8962531

Color Diagnostics, LLC DBA Color Health
Classification: Uncertain significance for Cardiomyopathy. Last evaluated: 2024-03-07. Review status: criteria provided, single submitter. Criteria: ACMG Guidelines, 2015. Collection method: clinical testing. Allele origin: germline.
Comment: This missense variant replaces histidine with asparagine at codon 390 of the MYBPC3 protein. Computational prediction suggests that this variant may not impact protein structure and function (internally defined REVEL score threshold <= 0.5, PMID: 27666373). To our knowledge, functional studies have not been reported for this variant. This variant has not been reported in individuals affected with MYBPC3-related disorders in the literature. This variant has been identified in 1/244564 chromosomes in the general population by the Genome Aggregation Database (gnomAD). The available evidence is insufficient to determine the role of this variant in disease conclusively. Therefore, this variant is classified as a Variant of Uncertain Significance.

Ambry Genetics
Classification: Uncertain significance for Cardiovascular phenotype. Last evaluated: 2023-05-06. Review status: criteria provided, single submitter. Criteria: Ambry Variant Classification Scheme 2023. Collection method: clinical testing. Allele origin: germline.
Comment: The p.H390N variant (also known as c.1168C>A), located in coding exon 13 of the MYBPC3 gene, results from a C to A substitution at nucleotide position 1168. The histidine at codon 390 is replaced by asparagine, an amino acid with similar properties. This amino acid position is conserved. In addition, this alteration is predicted to be tolerated by in silico analysis. Since supporting evidence is limited at this time, the clinical significance of this alteration remains unclear.